The following is an entry in ClinVar:

NM_012433.4(SF3B1):c.3096A>G (p.Gln1032=)

Gene: SF3B1 (splicing factor 3b subunit 1; minus strand). Cytogenetic location: 2q33.1.
Variant type: single nucleotide variant.
Coding change: c.3096A>G on transcript NM_012433.4 (MANE Select); coding-DNA position 3096, A replaced by G.
Protein change: p.Gln1032=; no amino-acid change (glutamine 1032 retained).
Molecular consequence: synonymous variant.
Genome position (GRCh38, 1-based): chr2:197,398,499, T>C on the plus strand (A>G on the coding strand, the complement: SF3B1 is on the minus strand). VCF-style: chr2-197398499-T-C. GRCh37 (hg19) VCF-style: chr2-198263223-T-C.
Identifiers: ClinVar variation 3035547 (VCV003035547.2), dbSNP rs34532346, ClinGen allele CA2042431.

ClinVar aggregate classification (germline): Likely benign (0 of 4 stars; one submission).

Conditions:
SF3B1-related disorder. Also called: SF3B1-related condition.

Allele frequency attached by ClinVar (database versions not stated): 1000 Genomes Project 30x 0.00016; 1000 Genomes Project 0.00020; TOPMed 0.00043; gnomAD 0.00044; ExAC 0.00053; gnomAD exomes 0.00059; ESP Exome Variant Server 0.00085.
gnomAD v4.1: 932 of 1,613,852 alleles (0.058%); highest among the groups gnomAD compares: Non-Finnish European, 0.073%; no homozygotes.

Submission:

PreventionGenetics, part of Exact Sciences
Classification: Likely benign for SF3B1-related condition. Last evaluated: 2019-10-28. Review status: no assertion criteria provided. Collection method: clinical testing. Allele origin: germline.
Comment: This variant is classified as likely benign based on ACMG/AMP sequence variant interpretation guidelines (Richards et al. 2015 PMID: 25741868, with internal and published modifications).